The following is an entry in ClinVar:

NM_005566.4(LDHA):c.121A>G (p.Met41Val)

Gene: LDHA (lactate dehydrogenase A; plus strand). Cytogenetic location: 11p15.1.
Variant type: single nucleotide variant.
Coding change: c.121A>G on transcript NM_005566.4 (MANE Select); coding-DNA position 121, A replaced by G.
Protein change: p.Met41Val; replaces methionine 41 with valine.
Molecular consequence: missense variant. On other transcripts: non-coding transcript variant (1).
Genome position (GRCh38, 1-based): chr11:18,396,963, A>G. VCF-style: chr11-18396963-A-G. GRCh37 (hg19) VCF-style: chr11-18418510-A-G.
Other names: c.121A>G, p.Met41Val (NM_001135239.2, NM_001165415.2, NM_001165416.2); c.208A>G, p.Met70Val (NM_001165414.2); short protein forms M70V, M41V.
Identifiers: ClinVar variation 2177743 (VCV002177743.3), dbSNP rs753917384, ClinGen allele CA5911181.

ClinVar aggregate classification (germline): Uncertain significance (1 of 4 stars; one submission).

Conditions:
Glycogen storage disease due to lactate dehydrogenase M-subunit deficiency (GSD11). Also called: Glycogen storage disease XI; GSD XI; LACTATE DEHYDROGENASE A DEFICIENCY. Identifiers: Orphanet 284426, MedGen C2931743, MONDO:0013047, OMIM 612933.

Allele frequency attached by ClinVar (database versions not stated): TOPMed 0.00002; gnomAD exomes 0.00001; ExAC 0.00001; gnomAD 0.00001.
gnomAD v4.1: 12 of 1,614,034 alleles (0.00074%); highest among the groups gnomAD compares: Admixed American, 0.005%; no homozygotes.

Submission:

Labcorp Genetics (formerly Invitae), Labcorp
Classification: Uncertain significance for Glycogen storage disease due to lactate dehydrogenase M-subunit deficiency. Last evaluated: 2023-04-18. Review status: criteria provided, single submitter. Criteria: Invitae Variant Classification Sherloc (09022015). Collection method: clinical testing. Allele origin: germline.
Comment: In summary, the available evidence is currently insufficient to determine the role of this variant in disease. Therefore, it has been classified as a Variant of Uncertain Significance. Advanced modeling of protein sequence and biophysical properties (such as structural, functional, and spatial information, amino acid conservation, physicochemical variation, residue mobility, and thermodynamic stability) performed at Invitae indicates that this missense variant is not expected to disrupt LDHA protein function. ClinVar contains an entry for this variant (Variation ID: 2177743). This variant has not been reported in the literature in individuals affected with LDHA-related conditions. This variant is present in population databases (rs753917384, gnomAD 0.006%). This sequence change replaces methionine, which is neutral and non-polar, with valine, which is neutral and non-polar, at codon 41 of the LDHA protein (p.Met41Val).